The following is an entry in ClinVar:

NM_014991.6(WDFY3):c.3983C>G (p.Ala1328Gly)

Gene: WDFY3 (WD repeat and FYVE domain containing 3; minus strand). Cytogenetic location: 4q21.23.
Variant type: single nucleotide variant.
Coding change: c.3983C>G on transcript NM_014991.6 (MANE Select); coding-DNA position 3983, C replaced by G.
Protein change: p.Ala1328Gly; replaces alanine 1328 with glycine.
Molecular consequence: missense variant.
Genome position (GRCh38, 1-based): chr4:84,786,058, G>C on the plus strand (C>G on the coding strand, the complement: WDFY3 is on the minus strand). VCF-style: chr4-84786058-G-C. GRCh37 (hg19) VCF-style: chr4-85707211-G-C.
Other names: short protein forms A1328G.
Identifiers: ClinVar variation 2430394 (VCV002430394.1), dbSNP rs2533481834, ClinGen allele CA357553716.

ClinVar aggregate classification (germline): Uncertain significance (1 of 4 stars; one submission).

Submission:

GeneDx
Classification: Uncertain significance. Last evaluated: 2022-08-16. Review status: criteria provided, single submitter. Criteria: GeneDx Variant Classification Process June 2021. Collection method: clinical testing. Allele origin: germline. Affected: yes.
Comment: Not observed at significant frequency in large population cohorts (gnomAD); In silico analysis supports that this missense variant has a deleterious effect on protein structure/function; Has not been previously published as pathogenic or benign to our knowledge